The following is an entry in ClinVar:

NM_000153.4(GALC):c.1582T>G (p.Phe528Val)

Gene: GALC (galactosylceramidase; minus strand). Cytogenetic location: 14q31.3.
Variant type: single nucleotide variant.
Coding change: c.1582T>G on transcript NM_000153.4 (MANE Select); coding-DNA position 1582, T replaced by G.
Protein change: p.Phe528Val; replaces phenylalanine 528 with valine.
Molecular consequence: missense variant.
Genome position (GRCh38, 1-based): chr14:87,945,641, A>C on the plus strand (T>G on the coding strand, the complement: GALC is on the minus strand). VCF-style: chr14-87945641-A-C. GRCh37 (hg19) VCF-style: chr14-88411985-A-C.
Other names: c.1414T>G, p.Phe472Val (NM_001424073.1, NM_001424071.1, NM_001424072.1); c.1234T>G, p.Phe412Val (NM_001424074.1, NM_001424075.1); c.949T>G, p.Phe317Val (NM_001424076.1, NM_001424077.1); c.1513T>G, p.Phe505Val (NM_001201401.2); c.1504T>G, p.Phe502Val (NM_001201402.2); short protein forms F317V, F412V, F472V, F502V, F505V, F528V.
Identifiers: ClinVar variation 3617113 (VCV003617113.2).

ClinVar aggregate classification (germline): Uncertain significance (1 of 4 stars; one submission).

Conditions:
Galactosylceramide beta-galactosidase deficiency. Also called: Leukodystrophy, Globoid Cell; Krabbe Disease; GALACTOCEREBROSIDASE DEFICIENCY; GALC DEFICIENCY; GLOBOID CELL LEUKOENCEPHALOPATHY. Identifiers: Orphanet 487, MedGen C0023521, MONDO:0009499, OMIM 245200.

Submission:

Labcorp Genetics (formerly Invitae), Labcorp
Classification: Uncertain significance for Galactosylceramide beta-galactosidase deficiency. Last evaluated: 2024-07-20. Review status: criteria provided, single submitter. Criteria: Invitae Variant Classification Sherloc (09022015). Collection method: clinical testing. Allele origin: germline.
Comment: This sequence change replaces phenylalanine, which is neutral and non-polar, with valine, which is neutral and non-polar, at codon 528 of the GALC protein (p.Phe528Val). This variant is not present in population databases (gnomAD no frequency). This variant has not been reported in the literature in individuals affected with GALC-related conditions. Advanced modeling of protein sequence and biophysical properties (such as structural, functional, and spatial information, amino acid conservation, physicochemical variation, residue mobility, and thermodynamic stability) performed at Invitae indicates that this missense variant is expected to disrupt GALC protein function with a positive predictive value of 95%. In summary, the available evidence is currently insufficient to determine the role of this variant in disease. Therefore, it has been classified as a Variant of Uncertain Significance.